The following is an entry in ClinVar:

NM_001042492.3(NF1):c.7036G>C (p.Asp2346His)

Gene: NF1 (neurofibromin 1; plus strand). Cytogenetic location: 17q11.2.
Variant type: single nucleotide variant.
Coding change: c.7036G>C on transcript NM_001042492.3 (MANE Select); coding-DNA position 7036, G replaced by C.
Protein change: p.Asp2346His; replaces aspartic acid 2346 with histidine.
Molecular consequence: missense variant.
Genome position (GRCh38, 1-based): chr17:31,340,619, G>C. VCF-style: chr17-31340619-G-C. GRCh37 (hg19) VCF-style: chr17-29667637-G-C.
Other names: c.6973G>C, p.Asp2325His (NM_000267.4); short protein forms D2325H, D2346H.
Identifiers: ClinVar variation 1010838 (VCV001010838.5), dbSNP rs2069793959, ClinGen allele CA399015142.

ClinVar aggregate classification (germline): Uncertain significance. Review status: criteria provided, multiple submitters, no conflicts (2 of 4 stars). 2 submissions from 2 submitters: Uncertain significance (2). Last evaluated 2024-12-08.

Conditions:
Hereditary cancer-predisposing syndrome. Also called: Tumor predisposition; Hereditary Cancer Syndrome; Neoplastic Syndromes, Hereditary; Hereditary neoplastic syndrome. Identifiers: Orphanet 140162, MedGen C0027672, MeSH D009386, MONDO:0015356.
Cardiovascular phenotype. Identifiers: MedGen CN230736.
Neurofibromatosis, type 1 (NF1). Also called: VON RECKLINGHAUSEN DISEASE; Neurofibromatosis, type I; NEUROFIBROMATOSIS, TYPE I, SOMATIC; Peripheral type neurofibromatosis. Identifiers: Orphanet 636, MedGen C0027831, MONDO:0018975, OMIM 162200. Disease mechanism: loss of function.

Submissions (2):

Ambry Genetics
Classification: Uncertain significance for Cardiovascular phenotype; Hereditary cancer-predisposing syndrome. Last evaluated: 2024-12-08. Review status: criteria provided, single submitter. Criteria: Ambry Variant Classification Scheme 2023. Collection method: clinical testing. Allele origin: germline.
Comment: The p.D2325H variant (also known as c.6973G>C), located in coding exon 46 of the NF1 gene, results from a G to C substitution at nucleotide position 6973. The aspartic acid at codon 2325 is replaced by histidine, an amino acid with similar properties. This amino acid position is conserved. In addition, the in silico prediction for this alteration is inconclusive. Based on the available evidence, the clinical significance of this variant remains unclear.

Labcorp Genetics (formerly Invitae), Labcorp
Classification: Uncertain significance for Neurofibromatosis, type 1. Last evaluated: 2020-08-22. Review status: criteria provided, single submitter. Criteria: Invitae Variant Classification Sherloc (09022015). Collection method: clinical testing. Allele origin: germline.
Comment: In summary, the available evidence is currently insufficient to determine the role of this variant in disease. Therefore, it has been classified as a Variant of Uncertain Significance. Algorithms developed to predict the effect of missense changes on protein structure and function are either unavailable or do not agree on the potential impact of this missense change (SIFT: "Tolerated"; PolyPhen-2: "Probably Damaging"; Align-GVGD: "Class C0"). This variant has not been reported in the literature in individuals with NF1-related conditions. This variant is not present in population databases (ExAC no frequency). This sequence change replaces aspartic acid with histidine at codon 2325 of the NF1 protein (p.Asp2325His). The aspartic acid residue is moderately conserved and there is a moderate physicochemical difference between aspartic acid and histidine.